The following is an entry in ClinVar:

NM_001261826.3(AP3D1):c.113A>G (p.Gln38Arg)

Gene: AP3D1 (adaptor related protein complex 3 subunit delta 1; minus strand). Cytogenetic location: 19p13.3.
Variant type: single nucleotide variant.
Coding change: c.113A>G on transcript NM_001261826.3 (MANE Select); coding-DNA position 113, A replaced by G.
Protein change: p.Gln38Arg; replaces glutamine 38 with arginine.
Molecular consequence: missense variant.
Genome position (GRCh38, 1-based): chr19:2,138,698, T>C on the plus strand (A>G on the coding strand, the complement: AP3D1 is on the minus strand). VCF-style: chr19-2138698-T-C. GRCh37 (hg19) VCF-style: chr19-2138697-T-C.
Other names: c.113A>G, p.Gln38Arg (NM_001374799.1, NM_003938.8); short protein forms Q38R.
Identifiers: ClinVar variation 4728519 (VCV004728519.1).

ClinVar aggregate classification (germline): Uncertain significance (1 of 4 stars; one submission).

gnomAD v4.1: 1 of 1,613,152 alleles (0.000062%); highest among the groups gnomAD compares: East Asian, 0.0022%; no homozygotes.

Submission:

Labcorp Genetics (formerly Invitae), Labcorp
Classification: Uncertain significance. Last evaluated: 2026-01-17. Review status: criteria provided, single submitter. Criteria: Invitae Variant Classification Sherloc (09022015). Collection method: clinical testing. Allele origin: germline.
Comment: This sequence change replaces glutamine, which is neutral and polar, with arginine, which is basic and polar, at codon 38 of the AP3D1 protein (p.Gln38Arg). This variant is present in population databases (no rsID available, gnomAD 0.006%). This variant has not been reported in the literature in individuals affected with AP3D1-related conditions. An algorithm developed to predict the effect of missense changes on protein structure and function (PolyPhen-2) suggests that this variant is likely to be tolerated. In summary, the available evidence is currently insufficient to determine the role of this variant in disease. Therefore, it has been classified as a Variant of Uncertain Significance.